The following is an entry in ClinVar:

NC_000021.8:g.(?_37833274)_(39212984_?)dup

Genes: RIPPLY3 (ripply transcriptional repressor 3; plus strand), SIM2 (SIM bHLH transcription factor 2; plus strand), PIGP (phosphatidylinositol glycan anchor biosynthesis class P; minus strand), TTC3 (tetratricopeptide repeat domain 3; plus strand), CLDN14 (claudin 14; minus strand) and 4 more. Cytogenetic location: 21q22.13.
Variant type: Duplication.
Identifiers: ClinVar variation 1061008 (VCV001061008.1).

ClinVar aggregate classification (germline): Uncertain significance (1 of 4 stars; one submission).

Conditions:
DYRK1A-related intellectual disability syndrome (MRD7). Also called: DYRK1A Syndrome; Intellectual developmental disorder, autosomal dominant 7. Identifiers: Orphanet 464306, MedGen C5568143, MONDO:0013578, OMIM 614104.

Submission:

Labcorp Genetics (formerly Invitae), Labcorp
Classification: Uncertain significance for DYRK1A-related intellectual disability syndrome. Last evaluated: 2020-10-29. Review status: criteria provided, single submitter. Criteria: Invitae Variant Classification Sherloc (09022015). Collection method: clinical testing. Allele origin: germline.
Comment: This variant results in a copy number gain of the genomic region encompassing the full coding sequence of the DYRK1A gene. The boundaries of this event are unknown as they extend beyond the assayed region for this gene and therefore may encompass additional genes. As the precise location of this event is unknown, it may be in tandem or it may be located elsewhere in the genome Isolated whole-gene copy number gains of DYRK1A have not been reported in the literature. However, larger copy number events that include this gene have been reported (PMID: 17237124, 23512985). Experimental studies and prediction algorithms are not available for this variant, and the functional significance of a DYRK1A whole-gene copy number gain is currently unknown. In summary, the available evidence is currently insufficient to determine the role of this variant in disease. Therefore, it has been classified as a Variant of Uncertain Significance.

Literature cited by the submitters: PubMed 17237124; PubMed 23512985.